The following is an entry in ClinVar:

NM_020191.4(MRPS22):c.566G>T (p.Arg189Leu)

Gene: MRPS22 (mitochondrial ribosomal protein S22; plus strand). Cytogenetic location: 3q23.
Variant type: single nucleotide variant.
Coding change: c.566G>T on transcript NM_020191.4 (MANE Select); coding-DNA position 566, G replaced by T.
Protein change: p.Arg189Leu; replaces arginine 189 with leucine.
Molecular consequence: missense variant.
Genome position (GRCh38, 1-based): chr3:139,350,240, G>T. VCF-style: chr3-139350240-G-T. GRCh37 (hg19) VCF-style: chr3-139069082-G-T.
Other names: c.443G>T, p.Arg148Leu (NM_001363857.1); c.563G>T, p.Arg188Leu (NM_001363893.1); short protein forms R148L, R188L, R189L.
Identifiers: ClinVar variation 3657031 (VCV003657031.2).

ClinVar aggregate classification (germline): Uncertain significance (1 of 4 stars; one submission).

gnomAD v4.1: 34 of 1,613,910 alleles (0.0021%); highest among the groups gnomAD compares: Admixed American, 0.057%; no homozygotes.

Submission:

Labcorp Genetics (formerly Invitae), Labcorp
Classification: Uncertain significance. Last evaluated: 2024-04-25. Review status: criteria provided, single submitter. Criteria: Invitae Variant Classification Sherloc (09022015). Collection method: clinical testing. Allele origin: germline.
Comment: This sequence change replaces arginine, which is basic and polar, with leucine, which is neutral and non-polar, at codon 189 of the MRPS22 protein (p.Arg189Leu). This variant is present in population databases (no rsID available, gnomAD 0.04%). This variant has not been reported in the literature in individuals affected with MRPS22-related conditions. Advanced modeling of protein sequence and biophysical properties (such as structural, functional, and spatial information, amino acid conservation, physicochemical variation, residue mobility, and thermodynamic stability) performed at Invitae indicates that this missense variant is expected to disrupt MRPS22 protein function with a positive predictive value of 80%. In summary, the available evidence is currently insufficient to determine the role of this variant in disease. Therefore, it has been classified as a Variant of Uncertain Significance.